The following is an entry in ClinVar:

ClinVar aggregate classification (germline): Conflicting classifications of pathogenicity. Review status: criteria provided, conflicting classifications (1 of 4 stars). 4 submissions from 4 submitters: Uncertain significance (1); Likely benign (2). 1 of the submissions does not count toward it. Last evaluated 2025-12-22.

Conditions:
MYO1E-related disorder. Also called: MYO1E-related condition.
Focal segmental glomerulosclerosis 6 (FSGS6). Identifiers: Orphanet 656, MedGen C3279905, MONDO:0013589, OMIM 614131.

gnomAD v4.1: 29 of 1,614,118 alleles (0.0018%); highest among the groups gnomAD compares: South Asian, 0.0044%; no homozygotes.

Submissions (4):

Labcorp Genetics (formerly Invitae), Labcorp
Classification: Likely benign. Last evaluated: 2025-12-22. Review status: criteria provided, single submitter. Criteria: Invitae Variant Classification Sherloc (09022015). Collection method: clinical testing. Allele origin: germline.

Fulgent Genetics
Classification: Uncertain significance for Focal segmental glomerulosclerosis 6. Last evaluated: 2024-06-17. Review status: criteria provided, single submitter. Criteria: ACMG Guidelines, 2015. Collection method: clinical testing. Allele origin: germline.

Blueprint Genetics
Classification: Likely benign. Last evaluated: 2023-09-06. Review status: criteria provided, single submitter. Criteria: ACMG Guidelines, 2015. Collection method: clinical testing. Allele origin: germline.

PreventionGenetics, part of Exact Sciences
Classification: Likely benign for MYO1E-related condition. Last evaluated: 2019-12-20. Review status: no assertion criteria provided. Collection method: clinical testing. Allele origin: germline. Not counted in ClinVar's aggregate classification.
Comment: This variant is classified as likely benign based on ACMG/AMP sequence variant interpretation guidelines (Richards et al. 2015 PMID: 25741868, with internal and published modifications).

NM_004998.4(MYO1E):c.1416G>A (p.Ala472=)

Gene: MYO1E (myosin IE; minus strand). Cytogenetic location: 15q22.2.
Variant type: single nucleotide variant.
Coding change: c.1416G>A on transcript NM_004998.4 (MANE Select); coding-DNA position 1416, G replaced by A.
Protein change: p.Ala472=; no amino-acid change (alanine 472 retained).
Molecular consequence: synonymous variant.
Genome position (GRCh38, 1-based): chr15:59,208,795, C>T on the plus strand (G>A on the coding strand, the complement: MYO1E is on the minus strand). VCF-style: chr15-59208795-C-T. GRCh37 (hg19) VCF-style: chr15-59500994-C-T.
Identifiers: ClinVar variation 3048782 (VCV003048782.5), dbSNP rs564899884, ClinGen allele CA7589942.
Genomic context (GRCh38, chr15:59,208,795, plus strand): 5'-ATGACTCCCAATCTGCATCTGAAGTTTCTGGAGCAGCGTCTGATCTGCCCCCTCACCCAC[C>T]GCATGCATCGTGGCGCACACGTCATCCAGGATGCTCATGATGCCAGGAGGGTTCTGATGG-3'
Protein context (NP_004989.2, residues 462-482): ILDDVCATMH[Ala472=]VGEGADQTLL